The following is an entry in ClinVar:

NM_000059.4(BRCA2):c.9402C>T (p.Gly3134=)

Gene: BRCA2 (BRCA2 DNA repair associated; plus strand). Cytogenetic location: 13q13.1.
Variant type: single nucleotide variant.
Coding change: c.9402C>T on transcript NM_000059.4 (MANE Select); coding-DNA position 9402, C replaced by T.
Protein change: p.Gly3134=; no amino-acid change (glycine 3134 retained).
Molecular consequence: synonymous variant.
Genome position (GRCh38, 1-based): chr13:32,394,834, C>T. VCF-style: chr13-32394834-C-T. GRCh37 (hg19) VCF-style: chr13-32968971-C-T.
Other names: c.9402C>T (NM_000059.3).
Identifiers: ClinVar variation 1518079 (VCV001518079.10), dbSNP rs1418629826, ClinGen allele CA483271224.

ClinVar aggregate classification (germline): Likely benign. Review status: criteria provided, multiple submitters, no conflicts (2 of 4 stars). 3 submissions from 3 submitters: Likely benign (3). Last evaluated 2024-03-24.

Conditions:
Hereditary breast ovarian cancer syndrome. Also called: Hereditary breast and/or ovarian cancer syndrome; Breast and ovarian cancer; Hereditary breast and ovarian cancer; BRCA1- and BRCA2-Associated Hereditary Breast and Ovarian Cancer; Hereditary breast and ovarian cancer syndrome; Hereditary breast and ovarian cancer syndrome (HBOC). Identifiers: Orphanet 145, MedGen C0677776, MeSH D061325, MONDO:0003582. Disease mechanism: loss of function.
BRCA2-related cancer predisposition. Identifiers: MedGen CN377758, MONDO:0700269.
Hereditary cancer-predisposing syndrome. Also called: Tumor predisposition; Neoplastic Syndromes, Hereditary; Hereditary neoplastic syndrome; Hereditary Cancer Syndrome. Identifiers: Orphanet 140162, MedGen C0027672, MeSH D009386, MONDO:0015356.

Submissions (3):

All of Us Research Program, National Institutes of Health
Classification: Likely benign for BRCA2-related cancer predisposition. Last evaluated: 2024-03-24. Review status: criteria provided, single submitter. Criteria: ACMG Guidelines, 2015. Collection method: clinical testing. Allele origin: germline. Inheritance: Autosomal dominant inheritance. Observed: 1 variant allele, 1 heterozygote.
Comment: This study involves interpretation of variants in research participants for the purpose of population health screening. Participant phenotype was not available at the time of variant classification. Additional details can be found in publication PMID: 35346344, PMCID: PMC8962531

Ambry Genetics
Classification: Likely benign for Hereditary cancer-predisposing syndrome. Last evaluated: 2022-09-20. Review status: criteria provided, single submitter. Criteria: Ambry Variant Classification Scheme 2023. Collection method: clinical testing. Allele origin: germline.

Labcorp Genetics (formerly Invitae), Labcorp
Classification: Likely benign for Hereditary breast ovarian cancer syndrome. Last evaluated: 2022-09-01. Review status: criteria provided, single submitter. Criteria: Invitae Variant Classification Sherloc (09022015). Collection method: clinical testing. Allele origin: germline.